The following is an entry in ClinVar:

ClinVar aggregate classification (germline): Uncertain significance (1 of 4 stars; one submission).

Conditions:
Fanconi anemia (FA). Also called: Fanconi's anemia. Identifiers: Orphanet 84, MedGen C0015625, MeSH D005199, MONDO:0019391.

Allele frequency attached by ClinVar (database versions not stated): gnomAD exomes below 0.00001.
gnomAD v4.1: 1 of 1,597,284 alleles (0.000063%); highest among the groups gnomAD compares: South Asian, 0.0011%; no homozygotes.

Submission:

Labcorp Genetics (formerly Invitae), Labcorp
Classification: Uncertain significance for Fanconi anemia. Last evaluated: 2022-08-16. Review status: criteria provided, single submitter. Criteria: Invitae Variant Classification Sherloc (09022015). Collection method: clinical testing. Allele origin: germline.
Comment: This variant is not present in population databases (gnomAD no frequency). This sequence change replaces isoleucine, which is neutral and non-polar, with threonine, which is neutral and polar, at codon 796 of the FANCD2 protein (p.Ile796Thr). This variant has not been reported in the literature in individuals affected with FANCD2-related conditions. Algorithms developed to predict the effect of missense changes on protein structure and function (SIFT, PolyPhen-2, Align-GVGD) all suggest that this variant is likely to be tolerated. In summary, the available evidence is currently insufficient to determine the role of this variant in disease. Therefore, it has been classified as a Variant of Uncertain Significance.

NM_001018115.3(FANCD2):c.2387T>C (p.Ile796Thr)

Genes: FANCD2 (FA complementation group D2; plus strand), LOC107303338 (3p25 FANCD2 Alu-mediated recombination region; plus strand). Cytogenetic location: 3p25.3.
Variant type: single nucleotide variant.
Coding change: c.2387T>C on transcript NM_001018115.3 (MANE Select); coding-DNA position 2387, T replaced by C.
Protein change: p.Ile796Thr; replaces isoleucine 796 with threonine.
Molecular consequence: missense variant.
Genome position (GRCh38, 1-based): chr3:10,067,210, T>C. VCF-style: chr3-10067210-T-C. GRCh37 (hg19) VCF-style: chr3-10108894-T-C.
Other names: c.2387T>C, p.Ile796Thr (NM_001319984.2, NM_001374254.1, NM_033084.6); c.2276T>C, p.Ile759Thr (NM_001374253.1); short protein forms I759T, I796T.
Identifiers: ClinVar variation 1716548 (VCV001716548.5), dbSNP rs2469975718, ClinGen allele CA351737533.